The following is an entry in ClinVar:

NC_000005.10:g.(?_112707312)_(112707902_?)del

Variant type: Deletion.
Identifiers: ClinVar variation 2442315 (VCV002442315.1).

ClinVar aggregate classification (germline): Pathogenic (3 of 4 stars; one submission).

Conditions:
Familial adenomatous polyposis 1 (FAP1). Also called: FAMILIAL ADENOMATOUS POLYPOSIS 1, ATTENUATED; POLYPOSIS, ADENOMATOUS INTESTINAL. Identifiers: MedGen C2713442, MONDO:0021056, OMIM 175100. Disease mechanism: loss of function.

Submission:

ClinGen InSiGHT Hereditary Colorectal Cancer/Polyposis Variant Curation Expert Panel
Classification: Pathogenic for Familial adenomatous polyposis 1. Last evaluated: 2023-02-26. Review status: reviewed by expert panel. Criteria: ClinGen InSiGHT HCCP VCEP ACMG Specifications APC V1. Collection method: curation. Allele origin: germline. Inheritance: Autosomal dominant inheritance.
Comment: The NC_000005.10:g.(?_112707312)_(112707902_?)del variant in APC is a gross deletion in the 5' upstream region of APC impacting promoter 1B. This variant has been reported in many families with FAP, resulting in more than 16 phenotype points (PS4_VeryStrong; Ambry Genetics, Invitae, GeneDx, Bonn internal data, PMIDs 18982352, 26213617, 25941542, 24946964, 23725351, 27217144, 18433509, 28791770, 25243319). The variant has been reported to segregate with FAP in many members (more than 7) of multiple families (PP1_Strong; PMIDs 18982352, 25941542, 23725351, 18433509, 28791770, 25243319). This variant has also been identified as a de novo occurrence with unconfirmed parental relationships in one individual with FAP (PM6; PMID 27217144). RT-PCR, allele-specific PCR and quantitative RT-PCR assays show monoallelic expression of various SNPs and severely reduced RNA expression of APC transcripts supporting an allele silencing effect for this deletion (PS3_VeryStrong; PMIDs 18982352, 25941542, 24946964, 27217144, 18433509, 28791770 25243319). This variant is absent from gnomAD SVs v2.1 (PM2_Supporting). In summary, this variant meets the criteria to be classified as Pathogenic for FAP based on the ACMG/AMP criteria applied, as specified by the ClinGen InSiGHT Hereditary Colorectal Cancer/Polyposis Variant Curation Expert Panel: PS3_VeryStrong, PS4_VeryStrong, PP1_Strong, PM6, and PM2_Supporting (VCEP specifications version 1; date of approval: 12/12/2022).